The following is an entry in ClinVar:

ClinVar aggregate classification (germline): Uncertain significance (1 of 4 stars; one submission).

Submission:

GeneDx
Classification: Uncertain significance. Last evaluated: 2026-04-19. Review status: criteria provided, single submitter. Criteria: GeneDx Variant Classification Process June 2021. Collection method: clinical testing. Allele origin: germline.
Comment: Has not been previously published as pathogenic or benign to our knowledge; No data available from control populations to assess the frequency of this variant; In silico analysis suggests this variant may impact gene splicing. In the absence of RNA/functional studies, the actual effect of this sequence change is unknown.

NM_001128.6(AP1G1):c.202-2990G>T

Gene: AP1G1 (adaptor related protein complex 1 subunit gamma 1; minus strand). Cytogenetic location: 16q22.2.
Variant type: single nucleotide variant.
Coding change: c.202-2990G>T on transcript NM_001128.6 (MANE Select); 2990 bases into the intron before coding-DNA position 202, G replaced by T.
Molecular consequence: intron variant.
Genome position (GRCh38, 1-based): chr16:71,777,582, C>A on the plus strand (G>T on the coding strand, the complement: AP1G1 is on the minus strand). VCF-style: chr16-71777582-C-A. GRCh37 (hg19) VCF-style: chr16-71811485-C-A.
Other names: c.202-2990G>T (NM_001030007.2).
Identifiers: ClinVar variation 5037309 (VCV005037309.1).
Genomic context (GRCh38, chr16:71,777,582, plus strand): 5'-GAAGAGTGGCTGGACTTGTCTGTTCCCACCCCAACCTCCAGGCCGAGAGAGGCCTCCCAT[C>A]CCCAGCCTGTTGGCAGGCGGTCATGCCGATGCCCCATTCTGTCTTCTACTGCTAGGGATC-3'